The following is an entry in ClinVar:

NM_012293.3(PXDN):c.3169A>G (p.Ile1057Val)

Gene: PXDN (peroxidasin; minus strand). Cytogenetic location: 2p25.3.
Variant type: single nucleotide variant.
Coding change: c.3169A>G on transcript NM_012293.3 (MANE Select); coding-DNA position 3169, A replaced by G.
Protein change: p.Ile1057Val; replaces isoleucine 1057 with valine.
Molecular consequence: missense variant.
Genome position (GRCh38, 1-based): chr2:1,648,611, T>C on the plus strand (A>G on the coding strand, the complement: PXDN is on the minus strand). VCF-style: chr2-1648611-T-C. GRCh37 (hg19) VCF-style: chr2-1652383-T-C.
Other names: short protein forms I1057V.
Identifiers: ClinVar variation 2050775 (VCV002050775.4), dbSNP rs771386928, ClinGen allele CA1512799.
Genomic context (GRCh38, chr2:1,648,611, plus strand): 5'-CAAGCGTGTGGCCAAACCTGAAGGCCGCGGTGGCGAAGGCGTTGAAGATGCCAGCATTGA[T>C]GCCGGGGTCGTAGCCGTGGTACTCTCCCAGCGTCCTCATGCCCACCTCCCCCAGGATCTT-3'
Protein context (NP_036425.1, residues 1047-1067): LGEYHGYDPG[Ile1057Val]NAGIFNAFAT

ClinVar aggregate classification (germline): Uncertain significance (1 of 4 stars; one submission).

Conditions:
Anterior segment dysgenesis 7 (ASGD7). Also called: Anterior segment dysgenesis 7, with sclerocornea; SCLEROCORNEA WITH OTHER OCULAR ANOMALIES. Identifiers: Orphanet 289499, MedGen C3151617, MONDO:0010015, OMIM 269400.

Allele frequency attached by ClinVar (database versions not stated): TOPMed 0.00002.
gnomAD v4.1: 10 of 1,613,122 alleles (0.00062%); highest among the groups gnomAD compares: Admixed American, 0.0083%; no homozygotes.

Submission:

Labcorp Genetics (formerly Invitae), Labcorp
Classification: Uncertain significance for Anterior segment dysgenesis 7. Last evaluated: 2022-06-18. Review status: criteria provided, single submitter. Criteria: Invitae Variant Classification Sherloc (09022015). Collection method: clinical testing. Allele origin: germline.
Comment: This variant is present in population databases (rs771386928, gnomAD 0.009%). This sequence change replaces isoleucine, which is neutral and non-polar, with valine, which is neutral and non-polar, at codon 1057 of the PXDN protein (p.Ile1057Val). This variant has not been reported in the literature in individuals affected with PXDN-related conditions. In summary, the available evidence is currently insufficient to determine the role of this variant in disease. Therefore, it has been classified as a Variant of Uncertain Significance. Algorithms developed to predict the effect of missense changes on protein structure and function output the following: SIFT: "Tolerated"; PolyPhen-2: "Benign"; Align-GVGD: "Class C0". The valine amino acid residue is found in multiple mammalian species, which suggests that this missense change does not adversely affect protein function.